The following is an entry in ClinVar:

ClinVar aggregate classification (germline): Uncertain significance (1 of 4 stars; one submission).

Conditions:
Hereditary cancer-predisposing syndrome. Also called: Neoplastic Syndromes, Hereditary; Tumor predisposition; Hereditary neoplastic syndrome; Hereditary Cancer Syndrome. Identifiers: Orphanet 140162, MedGen C0027672, MeSH D009386, MONDO:0015356.

Submission:

Ambry Genetics
Classification: Uncertain significance for Hereditary cancer-predisposing syndrome. Last evaluated: 2023-10-27. Review status: criteria provided, single submitter. Criteria: Ambry Variant Classification Scheme 2023. Collection method: clinical testing. Allele origin: germline.
Comment: The p.W430S variant (also known as c.1289G>C), located in coding exon 10 of the SUFU gene, results from a G to C substitution at nucleotide position 1289. The tryptophan at codon 430 is replaced by serine, an amino acid with highly dissimilar properties. This amino acid position is conserved. In addition, this alteration is predicted to be deleterious by in silico analysis. Since supporting evidence is limited at this time, the clinical significance of this alteration remains unclear.

NM_016169.4(SUFU):c.1289G>C (p.Trp430Ser)

Gene: SUFU (SUFU negative regulator of hedgehog signaling; plus strand). Cytogenetic location: 10q24.32.
Variant type: single nucleotide variant.
Coding change: c.1289G>C on transcript NM_016169.4 (MANE Select); coding-DNA position 1289, G replaced by C.
Protein change: p.Trp430Ser; replaces tryptophan 430 with serine.
Molecular consequence: missense variant.
Genome position (GRCh38, 1-based): chr10:102,617,421, G>C. VCF-style: chr10-102617421-G-C. GRCh37 (hg19) VCF-style: chr10-104377178-G-C.
Other names: c.1289G>C, p.Trp430Ser (NM_001178133.2); short protein forms W430S.
Identifiers: ClinVar variation 3226866 (VCV003226866.1), dbSNP rs2492790910, ClinGen allele CA377916701.